The following is an entry in ClinVar:

ClinVar aggregate classification (germline): Uncertain significance (1 of 4 stars; one submission).

Submission:

GeneDx
Classification: Uncertain significance. Last evaluated: 2024-02-09. Review status: criteria provided, single submitter. Criteria: GeneDx Variant Classification Process June 2021. Collection method: clinical testing. Allele origin: germline. Affected: yes.
Comment: Not observed at significant frequency in large population cohorts (gnomAD); In silico analysis supports that this missense variant has a deleterious effect on protein structure/function; Has not been previously published as pathogenic or benign to our knowledge

NM_003470.3(USP7):c.1138G>A (p.Asp380Asn)

Gene: USP7 (ubiquitin specific peptidase 7; minus strand). Cytogenetic location: 16p13.2.
Variant type: single nucleotide variant.
Coding change: c.1138G>A on transcript NM_003470.3 (MANE Select); coding-DNA position 1138, G replaced by A.
Protein change: p.Asp380Asn; replaces aspartic acid 380 with asparagine.
Molecular consequence: missense variant. On other transcripts: non-coding transcript variant (1).
Genome position (GRCh38, 1-based): chr16:8,910,768, C>T on the plus strand (G>A on the coding strand, the complement: USP7 is on the minus strand). VCF-style: chr16-8910768-C-T. GRCh37 (hg19) VCF-style: chr16-9004625-C-T.
Other names: c.1090G>A, p.Asp364Asn (NM_001286457.2); c.841G>A, p.Asp281Asn (NM_001286458.2); c.964G>A, p.Asp322Asn (NM_001321858.2); short protein forms D281N, D322N, D364N, D380N.
Identifiers: ClinVar variation 3368997 (VCV003368997.1).